The following is an entry in ClinVar:

ClinVar aggregate classification (germline): Conflicting classifications of pathogenicity. Review status: criteria provided, conflicting classifications (1 of 4 stars). 5 submissions from 5 submitters: Uncertain significance (4); Likely benign (1). Last evaluated 2026-08-20.

Conditions:
SYNE2-related disorder. Also called: SYNE2-related condition.
Emery-Dreifuss muscular dystrophy 5, autosomal dominant (EDMD5). Also called: EMERY-DREIFUSS MUSCULAR DYSTROPHY 5. Identifiers: Orphanet 261, MedGen C2751805, MONDO:0013072, OMIM 612999.

Allele frequency attached by ClinVar (database versions not stated): gnomAD exomes 0.00002 and 0.00004; ExAC 0.00004; gnomAD 0.00021 and 0.00019; TOPMed 0.00030; ESP Exome Variant Server 0.00008.
gnomAD v4.1: 56 of 1,614,024 alleles (0.0035%); highest among the groups gnomAD compares: African/African-American, 0.059%; no homozygotes.

Submissions (5):

PreventionGenetics, part of Exact Sciences
Classification: Likely benign for SYNE2-related condition. Last evaluated: 2026-08-20. Review status: criteria provided, single submitter. Criteria: ACMG Guidelines, 2015. Collection method: clinical testing. Allele origin: germline.
Comment: This variant is classified as likely benign based on ACMG/AMP sequence variant interpretation guidelines (Richards et al. 2015 PMID: 25741868, with internal and published modifications).

Labcorp Genetics (formerly Invitae), Labcorp
Classification: Uncertain significance for Emery-Dreifuss muscular dystrophy 5, autosomal dominant. Last evaluated: 2025-09-29. Review status: criteria provided, single submitter. Criteria: Invitae Variant Classification Sherloc (09022015). Collection method: clinical testing. Allele origin: germline.
Comment: This sequence change replaces aspartic acid, which is acidic and polar, with valine, which is neutral and non-polar, at codon 6608 of the SYNE2 protein (p.Asp6608Val). This variant is present in population databases (rs372546949, gnomAD 0.06%), and has an allele count higher than expected for a pathogenic variant. This variant has not been reported in the literature in individuals affected with SYNE2-related conditions. ClinVar contains an entry for this variant (Variation ID: 283741). An algorithm developed to predict the effect of missense changes on protein structure and function (PolyPhen-2) suggests that this variant is likely to be disruptive. In summary, the available evidence is currently insufficient to determine the role of this variant in disease. Therefore, it has been classified as a Variant of Uncertain Significance.

Ambry Genetics
Classification: Uncertain significance. Last evaluated: 2021-09-27. Review status: criteria provided, single submitter. Criteria: Ambry Variant Classification Scheme 2023. Collection method: clinical testing. Allele origin: germline.

Revvity Omics, Revvity
Classification: Uncertain significance for Emery-Dreifuss muscular dystrophy 5, autosomal dominant. Last evaluated: 2019-01-17. Review status: criteria provided, single submitter. Criteria: ACMG Guidelines, 2015. Collection method: clinical testing. Allele origin: germline.

Eurofins Ntd Llc (ga)
Classification: Uncertain significance. Last evaluated: 2015-10-12. Review status: criteria provided, single submitter. Criteria: EGL Classification Definitions 2015. Collection method: clinical testing. Allele origin: germline. Observed: 1 variant allele, 1 heterozygote.

NM_182914.3(SYNE2):c.19823A>T (p.Asp6608Val)

Gene: SYNE2 (spectrin repeat containing nuclear envelope protein 2; plus strand). Cytogenetic location: 14q23.2.
Variant type: single nucleotide variant.
Coding change: c.19823A>T on transcript NM_182914.3 (MANE Select); coding-DNA position 19823, A replaced by T.
Protein change: p.Asp6608Val; replaces aspartic acid 6608 with valine.
Molecular consequence: missense variant.
Genome position (GRCh38, 1-based): chr14:64,219,373, A>T. VCF-style: chr14-64219373-A-T. GRCh37 (hg19) VCF-style: chr14-64686091-A-T.
Other names: c.19754A>T, p.Asp6585Val (NM_015180.6); c.347A>T, p.Asp116Val (NM_182910.2); c.725A>T, p.Asp242Val (NM_182913.4); short protein forms D6608V, D116V, D242V, D6585V.
Identifiers: ClinVar variation 283741 (VCV000283741.17), dbSNP rs372546949, ClinGen allele CA7224587.